The following is an entry in ClinVar:

NC_000021.9:g.46270562CT[1]

Gene: MCM3AP (minichromosome maintenance complex component 3 associated protein; minus strand). Cytogenetic location: 21q22.3.
Variant type: Microsatellite.
Genome position: GRCh38 VCF-style: chr21-46270560-TTC-T. GRCh37 (hg19) VCF-style: chr21-47690474-TTC-T.
Identifiers: ClinVar variation 2825819 (VCV002825819.3), dbSNP rs2517401659, ClinGen allele CA2739267743.

ClinVar aggregate classification (germline): Pathogenic (1 of 4 stars; one submission).

Submission:

Labcorp Genetics (formerly Invitae), Labcorp
Classification: Pathogenic. Last evaluated: 2023-01-01. Review status: criteria provided, single submitter. Criteria: Invitae Variant Classification Sherloc (09022015). Collection method: clinical testing. Allele origin: germline.
Comment: For these reasons, this variant has been classified as Pathogenic. This variant has not been reported in the literature in individuals affected with MCM3AP-related conditions. This variant is not present in population databases (gnomAD no frequency). This sequence change creates a premature translational stop signal (p.Glu823Serfs*9) in the MCM3AP gene. It is expected to result in an absent or disrupted protein product. Loss-of-function variants in MCM3AP are known to be pathogenic (PMID: 28633435).

Literature cited by the submitters: PubMed 28633435.